The following is an entry in ClinVar:

NM_020745.4(AARS2):c.1634C>T (p.Ala545Val)

Gene: AARS2 (alanyl-tRNA synthetase 2, mitochondrial; minus strand). Cytogenetic location: 6p21.1.
Variant type: single nucleotide variant.
Coding change: c.1634C>T on transcript NM_020745.4 (MANE Select); coding-DNA position 1634, C replaced by T.
Protein change: p.Ala545Val; replaces alanine 545 with valine.
Molecular consequence: missense variant.
Genome position (GRCh38, 1-based): chr6:44,304,763, G>A on the plus strand (C>T on the coding strand, the complement: AARS2 is on the minus strand). VCF-style: chr6-44304763-G-A. GRCh37 (hg19) VCF-style: chr6-44272500-G-A.
Other names: short protein forms A545V.
Identifiers: ClinVar variation 2971386 (VCV002971386.3), dbSNP rs770045063, ClinGen allele CA138389282.

ClinVar aggregate classification (germline): Uncertain significance (1 of 4 stars; one submission).

Allele frequency attached by ClinVar (database versions not stated): gnomAD 0.00001; gnomAD exomes 0.00001; TOPMed 0.00003.
gnomAD v4.1: 18 of 1,614,084 alleles (0.0011%); highest among the groups gnomAD compares: Non-Finnish European, 0.0015%; no homozygotes.

Submission:

Labcorp Genetics (formerly Invitae), Labcorp
Classification: Uncertain significance. Last evaluated: 2023-06-28. Review status: criteria provided, single submitter. Criteria: Invitae Variant Classification Sherloc (09022015). Collection method: clinical testing. Allele origin: germline.
Comment: This variant is present in population databases (rs770045063, gnomAD 0.003%). In summary, the available evidence is currently insufficient to determine the role of this variant in disease. Therefore, it has been classified as a Variant of Uncertain Significance. Advanced modeling of protein sequence and biophysical properties (such as structural, functional, and spatial information, amino acid conservation, physicochemical variation, residue mobility, and thermodynamic stability) performed at Invitae indicates that this missense variant is not expected to disrupt AARS2 protein function. This variant has not been reported in the literature in individuals affected with AARS2-related conditions. This sequence change replaces alanine, which is neutral and non-polar, with valine, which is neutral and non-polar, at codon 545 of the AARS2 protein (p.Ala545Val).